The following is an entry in ClinVar:

ClinVar aggregate classification (germline): Uncertain significance (1 of 4 stars; one submission).

Conditions:
Walker-Warburg congenital muscular dystrophy. Also called: Muscular dystrophy-dystroglycanopathy, type A; Walker-Warburg syndrome. Identifiers: Orphanet 899, MedGen C0265221, MONDO:0000171.
Autosomal recessive limb-girdle muscular dystrophy type 2K. Also called: MUSCULAR DYSTROPHY, LIMB-GIRDLE, TYPE 2K; MUSCULAR DYSTROPHY-DYSTROGLYCANOPATHY (LIMB-GIRDLE), TYPE C, 1. Identifiers: Orphanet 86812, MedGen C1836373, MONDO:0012248, OMIM 609308.
Muscular dystrophy-dystroglycanopathy (congenital with impaired intellectual development), type B, 1. Also called: MUSCULAR DYSTROPHY, CONGENITAL, POMT1-RELATED; Muscular dystrophy-dystroglycanopathy (congenital with intellectual disability), type B1. Identifiers: MedGen C5436962, MONDO:0013159, OMIM 613155.

Allele frequency attached by ClinVar (database versions not stated): gnomAD exomes below 0.00001.

Submission:

Labcorp Genetics (formerly Invitae), Labcorp
Classification: Uncertain significance for Muscular dystrophy-dystroglycanopathy (congenital with impaired intellectual development), type B, 1; Walker-Warburg congenital muscular dystrophy; Autosomal recessive limb-girdle muscular dystrophy type 2K. Last evaluated: 2021-10-07. Review status: criteria provided, single submitter. Criteria: Invitae Variant Classification Sherloc (09022015). Collection method: clinical testing. Allele origin: germline.
Comment: This sequence change replaces methionine with valine at codon 140 of the POMT1 protein (p.Met140Val). The methionine residue is moderately conserved and there is a small physicochemical difference between methionine and valine. This variant is not present in population databases (ExAC no frequency). This variant has not been reported in the literature in individuals affected with POMT1-related conditions. Algorithms developed to predict the effect of missense changes on protein structure and function output the following: SIFT: "Tolerated"; PolyPhen-2: "Benign"; Align-GVGD: "Class C0". The valine amino acid residue is found in multiple mammalian species, which suggests that this missense change does not adversely affect protein function. In summary, the available evidence is currently insufficient to determine the role of this variant in disease. Therefore, it has been classified as a Variant of Uncertain Significance.

NM_001077365.2(POMT1):c.418A>G (p.Met140Val)

Gene: POMT1 (protein O-mannosyltransferase 1; plus strand). Cytogenetic location: 9q34.13.
Variant type: single nucleotide variant.
Coding change: c.418A>G on transcript NM_001077365.2 (MANE Select); coding-DNA position 418, A replaced by G.
Protein change: p.Met140Val; replaces methionine 140 with valine.
Molecular consequence: missense variant. On other transcripts: non-coding transcript variant (9), intron variant (2).
Genome position (GRCh38, 1-based): chr9:131,507,505, A>G. VCF-style: chr9-131507505-A-G. GRCh37 (hg19) VCF-style: chr9-134382892-A-G.
Other names: c.256A>G, p.Met86Val (NM_001077366.2, NM_001353194.2, NM_001353197.2 and 3 more transcripts); c.418A>G, p.Met140Val (NM_001136113.2, NM_001353193.2, NM_001374690.1 and 1 more transcripts); c.67A>G, p.Met23Val (NM_001136114.2, NM_001353195.2, NM_001353199.2 and 2 more transcripts); c.328A>G, p.Met110Val (NM_001353196.2); c.-29-1406A>G (NM_001374695.1); c.-30+1052A>G (NM_001353200.2); short protein forms M140V, M110V, M86V, M23V.
Identifiers: ClinVar variation 1393745 (VCV001393745.6), dbSNP rs2131607251, ClinGen allele CA375306560.